The following is an entry in ClinVar:

ClinVar aggregate classification (germline): Pathogenic/Likely pathogenic. Review status: criteria provided, multiple submitters, no conflicts (2 of 4 stars). 9 submissions from 8 submitters: Pathogenic (5); Likely pathogenic (2). 2 of the submissions do not count toward it. Last evaluated 2025-10-13.

Conditions:
PEX12-related disorder. Also called: PEX12-related condition; PEX12-related disorders.
Peroxisome biogenesis disorder type 3B. Identifiers: Orphanet 44, Orphanet 772, MedGen C3550693, MONDO:0009959, OMIM 266510.
Peroxisome biogenesis disorder 3A (Zellweger). Also called: PEROXISOMAL BIOGENESIS DISORDER 3A (ZELLWEGER); Peroxisome biogenesis disorder 3A. Identifiers: Orphanet 912, MedGen C3553929, MONDO:0013927, OMIM 614859.

Allele frequency attached by ClinVar (database versions not stated): gnomAD exomes below 0.00001; ExAC 0.00001.

Submissions (9):

PreventionGenetics, part of Exact Sciences
Classification: Likely pathogenic for PEX12-related condition. Last evaluated: 2025-10-13. Review status: criteria provided, single submitter. Criteria: ACMG Guidelines, 2015. Collection method: clinical testing. Allele origin: germline.
Comment: The PEX12 c.334C>T variant is predicted to result in premature protein termination (p.Gln112*). This variant has been reported along with another PEX12 protein truncating variant in an individual with peroxisomal biogenesis disorder, though phasing of the variants was not provided (Table 1, Zaki et al. 2020. PubMed ID: 33123925). This variant is reported in 0.0029% of alleles in individuals of Latino descent in gnomAD. Nonsense variants in PEX12 are expected to be pathogenic. This variant is interpreted as likely pathogenic.

Daryl Scott Lab, Baylor College of Medicine
Classification: Pathogenic for PEX12-related disorder. Last evaluated: 2025-08-25. Review status: criteria provided, single submitter. Criteria: ACMG Guidelines, 2015. Collection method: clinical testing. Allele origin: biparental. Affected: yes. Observed: 1 homozygote.
Comment: PVS1, PS4

Labcorp Genetics (formerly Invitae), Labcorp
Classification: Pathogenic for Peroxisome biogenesis disorder 3A (Zellweger). Last evaluated: 2025-06-29. Review status: criteria provided, single submitter. Criteria: Invitae Variant Classification Sherloc (09022015). Collection method: clinical testing. Allele origin: germline.
Comment: This sequence change creates a premature translational stop signal (p.Gln112*) in the PEX12 gene. It is expected to result in an absent or disrupted protein product. Loss-of-function variants in PEX12 are known to be pathogenic (PMID: 9090384, 9632816, 21031596). This variant is present in population databases (rs776731688, gnomAD 0.003%). This variant has not been reported in the literature in individuals affected with PEX12-related conditions. ClinVar contains an entry for this variant (Variation ID: 191074). For these reasons, this variant has been classified as Pathogenic.

GeneDx
Classification: Pathogenic. Last evaluated: 2024-12-11. Review status: criteria provided, single submitter. Criteria: GeneDx Variant Classification Process June 2021. Collection method: clinical testing. Allele origin: germline. Affected: yes.
Comment: Nonsense variant predicted to result in protein truncation or nonsense mediated decay in a gene for which loss of function is a known mechanism of disease; Not observed at significant frequency in large population cohorts (gnomAD); This variant is associated with the following publications: (PMID: 21031596, 25326635, 27124789, 33123925)

Genomic Medicine Center of Excellence, King Faisal Specialist Hospital and Research Centre
Classification: Likely pathogenic for Peroxisome biogenesis disorder 3A (Zellweger). Last evaluated: 2024-03-17. Review status: criteria provided, single submitter. Criteria: ACMG Guidelines, 2015. Collection method: research. Allele origin: germline.

Baylor Genetics
Classification: Pathogenic for Peroxisome biogenesis disorder 3A (Zellweger). Last evaluated: 2024-02-14. Review status: criteria provided, single submitter. Criteria: ACMG Guidelines, 2015. Collection method: clinical testing. Allele origin: unknown.

Rady Children's Institute for Genomic Medicine, Rady Children's Hospital San Diego
Classification: Pathogenic for Peroxisome biogenesis disorder 3A (Zellweger). Last evaluated: 2019-01-31. Review status: criteria provided, single submitter. Criteria: ACMG Guidelines, 2015. Collection method: clinical testing. Allele origin: germline. Affected: yes. Observed: 1 variant allele.
Comment: This nonsense variant found in exon 2 of 3 encodes for a premature stop codon and is predicted to result in loss of normal protein function. This variant has been previously reported as a homozygous change in association with intellectual disability and inborn error of metabolism (PMID: 27124789). It is absent from the gnomAD population database and is present in the heterozygous state in the ExAC population database at a frequency of 0.001% (1/120740) and thus is presumed to be rare. This variant has been classified in ClinVar as a pathogenic and likely pathogenic variant (Variation ID: 191074). In silico analyses support a deleterious effect of the c.334C>T (p.Gln112Ter) variant on protein function. Based on the available evidence, the c.334C>T (p.Gln112Ter) variant is classified as pathogenic.

Counsyl
Classification: Likely pathogenic for Peroxisome biogenesis disorder type 3B; Peroxisome biogenesis disorder 3A (Zellweger). Last evaluated: 2018-06-07. Review status: no assertion criteria provided. Collection method: clinical testing. Allele origin: unknown. Not counted in ClinVar's aggregate classification.

Genomic Medicine Center of Excellence, King Faisal Specialist Hospital and Research Centre
Classification: Likely pathogenic. Review status: flagged submission. Criteria: ACMG Guidelines, 2015. Collection method: research. Allele origin: germline. Affected: yes. Not counted in ClinVar's aggregate classification.
ClinVar note: Reason: This record appears to be redundant with a more recent record from the same submitter.
ClinVar note: Notes: SCV000221451 appears to be redundant with SCV004804681.

Literature cited by the submitters: PubMed 9090384 (cited by Labcorp Genetics (formerly Invitae), Labcorp); PubMed 9632816 (cited by Labcorp Genetics (formerly Invitae), Labcorp); PubMed 21031596 (cited by Labcorp Genetics (formerly Invitae), Labcorp); PubMed 25326635 (cited by Baylor Genetics); PubMed 27124789 (cited by Counsyl).

NM_000286.3(PEX12):c.334C>T (p.Gln112Ter)

Gene: PEX12 (peroxisomal biogenesis factor 12; minus strand). Cytogenetic location: 17q12.
Variant type: single nucleotide variant.
Coding change: c.334C>T on transcript NM_000286.3 (MANE Select); coding-DNA position 334, C replaced by T.
Protein change: p.Gln112Ter; replaces glutamine 112 with a stop codon.
Molecular consequence: nonsense.
Genome position (GRCh38, 1-based): chr17:35,577,384, G>A on the plus strand (C>T on the coding strand, the complement: PEX12 is on the minus strand). VCF-style: chr17-35577384-G-A. GRCh37 (hg19) VCF-style: chr17-33904403-G-A.
Other names: short protein forms Q112*.
Identifiers: ClinVar variation 191074 (VCV000191074.17), dbSNP rs776731688, ClinGen allele CA235963.